The following is an entry in ClinVar:

NM_201384.3(PLEC):c.8174C>T (p.Thr2725Met)

Gene: PLEC (plectin; minus strand). Cytogenetic location: 8q24.3.
Variant type: single nucleotide variant.
Coding change: c.8174C>T on transcript NM_201384.3 (MANE Select); coding-DNA position 8174, C replaced by T.
Protein change: p.Thr2725Met; replaces threonine 2725 with methionine.
Molecular consequence: missense variant.
Genome position (GRCh38, 1-based): chr8:143,921,647, G>A on the plus strand (C>T on the coding strand, the complement: PLEC is on the minus strand). VCF-style: chr8-143921647-G-A. GRCh37 (hg19) VCF-style: chr8-144995815-G-A.
Other names: c.8255C>T, p.Thr2752Met (NM_000445.5); c.4874C>T, p.Thr1625Met (NM_001410941.1); c.8132C>T, p.Thr2711Met (NM_201378.4); c.8108C>T, p.Thr2703Met (NM_201379.3); c.8585C>T, p.Thr2862Met (NM_201380.4); c.8078C>T, p.Thr2693Met (NM_201381.3); c.8174C>T, p.Thr2725Met (NM_201382.4); c.8186C>T, p.Thr2729Met (NM_201383.3); and 1 more; short protein forms T1625M, T2703M, T2752M, T2693M, T2862M, T2711M, T2725M, T2729M.
Identifiers: ClinVar variation 2946541 (VCV002946541.5), dbSNP rs371900885, ClinGen allele CA4925404.

ClinVar aggregate classification (germline): Uncertain significance. Review status: criteria provided, multiple submitters, no conflicts (2 of 4 stars). 2 submissions from 2 submitters: Uncertain significance (2). Last evaluated 2026-08-26.

Conditions:
Epidermolysis bullosa simplex 5C, with pyloric atresia (EBS5C). Also called: Epidermolysis bullosa simplex with pyloric atresia; PLEC-Related Epidermolysis Bullosa with Pyloric Atresia; PLEC1-Related Epidermolysis Bullosa with Pyloric Atresia. Identifiers: Orphanet 158684, MedGen C2677349, MONDO:0012807, OMIM 612138.
Epidermolysis bullosa simplex with nail dystrophy (EBS5D). Identifiers: MedGen C4225309, MONDO:0014661, OMIM 616487.
Epidermolysis bullosa simplex 5B, with muscular dystrophy (EBS5B). Also called: EPIDERMOLYSIS BULLOSA SIMPLEX AND LIMB-GIRDLE MUSCULAR DYSTROPHY; Epidermolysis bullosa simplex with muscular dystrophy. Identifiers: Orphanet 257, MedGen C2931072, MONDO:0009181, OMIM 226670.
Epidermolysis bullosa simplex, Ogna type (EBS5A). Also called: EPIDERMOLYSIS BULLOSA SIMPLEX 5A, OGNA TYPE; Pidermolysis bullosa simplex 5A, Ogna type. Identifiers: Orphanet 79401, MedGen C0432317, MONDO:0007555, OMIM 131950.
Autosomal recessive limb-girdle muscular dystrophy type 2Q (LGMDR17). Also called: MUSCULAR DYSTROPHY, LIMB-GIRDLE, AUTOSOMAL RECESSIVE 17. Identifiers: Orphanet 254361, MedGen C3150989, MONDO:0013390, OMIM 613723.

Allele frequency attached by ClinVar (database versions not stated): gnomAD 0.00001; TOPMed 0.00001; ExAC 0.00002; gnomAD exomes 0.00002; ESP Exome Variant Server 0.00008.
gnomAD v4.1: 38 of 1,613,042 alleles (0.0024%); highest among the groups gnomAD compares: Admixed American, 0.0067%; no homozygotes.

Submissions (2):

GeneDx
Classification: Uncertain significance. Last evaluated: 2026-08-26. Review status: criteria provided, single submitter. Criteria: GeneDx Variant Classification Process June 2021. Collection method: clinical testing. Allele origin: germline.
Comment: Has not been previously published as pathogenic or benign to our knowledge; Not observed at significant frequency in large population cohorts (gnomAD); In silico analysis supports that this missense variant has a deleterious effect on protein structure/function; Missense variant in a gene in which most reported pathogenic variants are truncating/loss of function

Labcorp Genetics (formerly Invitae), Labcorp
Classification: Uncertain significance for Autosomal recessive limb-girdle muscular dystrophy type 2Q; Epidermolysis bullosa simplex, Ogna type; Epidermolysis bullosa simplex with nail dystrophy; Epidermolysis bullosa simplex 5C, with pyloric atresia; Epidermolysis bullosa simplex 5B, with muscular dystrophy. Last evaluated: 2025-05-28. Review status: criteria provided, single submitter. Criteria: Invitae Variant Classification Sherloc (09022015). Collection method: clinical testing. Allele origin: germline.
Comment: This sequence change replaces threonine, which is neutral and polar, with methionine, which is neutral and non-polar, at codon 2752 of the PLEC protein (p.Thr2752Met). This variant is present in population databases (rs371900885, gnomAD 0.01%). This variant has not been reported in the literature in individuals affected with PLEC-related conditions. ClinVar contains an entry for this variant (Variation ID: 2946541). An algorithm developed to predict the effect of missense changes on protein structure and function (PolyPhen-2) suggests that this variant is likely to be disruptive. In summary, the available evidence is currently insufficient to determine the role of this variant in disease. Therefore, it has been classified as a Variant of Uncertain Significance.